The following is an entry in ClinVar:

NM_033064.5(ATCAY):c.*3108C>T

Gene: ATCAY (ATCAY kinesin light chain interacting caytaxin; plus strand). Cytogenetic location: 19p13.3.
Variant type: single nucleotide variant.
Coding change: c.*3108C>T on transcript NM_033064.5 (MANE Select); 3108 bases downstream of the stop codon, C replaced by T.
Molecular consequence: 3 prime UTR variant.
Genome position (GRCh38, 1-based): chr19:3,927,700, C>T. VCF-style: chr19-3927700-C-T. GRCh37 (hg19) VCF-style: chr19-3927698-C-T.
Identifiers: ClinVar variation 329200 (VCV000329200.6), dbSNP rs143949702, ClinGen allele CA10648717.

ClinVar aggregate classification (germline): Likely benign. Review status: criteria provided, multiple submitters, no conflicts (2 of 4 stars). 2 submissions from 2 submitters: Likely benign (2). Last evaluated 2018-01-13.

Conditions:
Cayman type cerebellar ataxia. Also called: Cayman ataxia. Identifiers: Orphanet 94122, MedGen C1832585, MONDO:0011025, OMIM 601238.

Allele frequency attached by ClinVar (database versions not stated): 1000 Genomes Project 0.00060; 1000 Genomes Project 30x 0.00062; gnomAD 0.00230 and 0.00262; TOPMed 0.00275.

Submissions (2):

Illumina Laboratory Services, Illumina
Classification: Likely benign for Cayman type cerebellar ataxia. Last evaluated: 2018-01-13. Review status: criteria provided, single submitter. Criteria: ICSL Variant Classification Criteria 13 December 2019. Collection method: clinical testing. Allele origin: germline.
Comment: This variant was observed in the ICSL laboratory as part of a predisposition screen in an ostensibly healthy population. It had not been previously curated by ICSL or reported in the Human Gene Mutation Database (HGMD: prior to June 1st, 2018), and was therefore a candidate for classification through an automated scoring system. Utilizing variant allele frequency, disease prevalence and penetrance estimates, and inheritance mode, an automated score was calculated to assess if this variant is too frequent to cause the disease. Based on the score and internal cut-off values, a variant classified as likely benign is not then subjected to further curation. The score for this variant resulted in a classification of likely benign for this disease.

Breakthrough Genomics
Classification: Likely benign. Review status: criteria provided, single submitter. Criteria: ACMG Guidelines, 2015. Collection method: not provided. Allele origin: germline. Inheritance: Autosomal recessive inheritance. Affected: yes.